The following is an entry in ClinVar:

NM_152365.3(KDF1):c.1138T>C (p.Ser380Pro)

Gene: KDF1 (keratinocyte differentiation factor 1; minus strand). Cytogenetic location: 1p36.11.
Variant type: single nucleotide variant.
Coding change: c.1138T>C on transcript NM_152365.3 (MANE Select); coding-DNA position 1138, T replaced by C.
Protein change: p.Ser380Pro; replaces serine 380 with proline.
Molecular consequence: missense variant.
Genome position (GRCh38, 1-based): chr1:26,950,128, A>G on the plus strand (T>C on the coding strand, the complement: KDF1 is on the minus strand). VCF-style: chr1-26950128-A-G. GRCh37 (hg19) VCF-style: chr1-27276619-A-G.
Other names: short protein forms S380P.
Identifiers: ClinVar variation 2059674 (VCV002059674.6), dbSNP rs201399957, ClinGen allele CA710140.

ClinVar aggregate classification (germline): Uncertain significance. Review status: criteria provided, multiple submitters, no conflicts (2 of 4 stars). 2 submissions from 2 submitters: Uncertain significance (2). Last evaluated 2025-08-04.

Conditions:
Inborn genetic diseases. Identifiers: MedGen C0950123, MeSH D030342.

Allele frequency attached by ClinVar (database versions not stated): ESP Exome Variant Server 0.00008; ExAC 0.00005; TOPMed 0.00013; gnomAD 0.00011.
gnomAD v4.1: 321 of 1,613,674 alleles (0.02%); highest among the groups gnomAD compares: Non-Finnish European, 0.026%; no homozygotes.

Submissions (2):

Ambry Genetics
Classification: Uncertain significance for Inborn genetic diseases. Last evaluated: 2025-08-04. Review status: criteria provided, single submitter. Criteria: Ambry Variant Classification Scheme 2023. Collection method: clinical testing. Allele origin: germline.

Labcorp Genetics (formerly Invitae), Labcorp
Classification: Uncertain significance. Last evaluated: 2022-09-19. Review status: criteria provided, single submitter. Criteria: Invitae Variant Classification Sherloc (09022015). Collection method: clinical testing. Allele origin: germline.
Comment: In summary, the available evidence is currently insufficient to determine the role of this variant in disease. Therefore, it has been classified as a Variant of Uncertain Significance. Advanced modeling of protein sequence and biophysical properties (such as structural, functional, and spatial information, amino acid conservation, physicochemical variation, residue mobility, and thermodynamic stability) performed at Invitae indicates that this missense variant is not expected to disrupt KDF1 protein function. This variant has not been reported in the literature in individuals affected with KDF1-related conditions. This variant is present in population databases (rs201399957, gnomAD 0.01%). This sequence change replaces serine, which is neutral and polar, with proline, which is neutral and non-polar, at codon 380 of the KDF1 protein (p.Ser380Pro).